The following is an entry in ClinVar:

NM_006208.3(ENPP1):c.590G>A (p.Ser197Asn)

Gene: ENPP1 (ectonucleotide pyrophosphatase/phosphodiesterase 1; plus strand). Cytogenetic location: 6q23.2.
Variant type: single nucleotide variant.
Coding change: c.590G>A on transcript NM_006208.3 (MANE Select); coding-DNA position 590, G replaced by A.
Protein change: p.Ser197Asn; replaces serine 197 with asparagine.
Molecular consequence: missense variant.
Genome position (GRCh38, 1-based): chr6:131,852,208, G>A. VCF-style: chr6-131852208-G-A. GRCh37 (hg19) VCF-style: chr6-132173348-G-A.
Other names: short protein forms S197N.
Identifiers: ClinVar variation 3593061 (VCV003593061.2).

ClinVar aggregate classification (germline): Uncertain significance. Review status: criteria provided, multiple submitters, no conflicts (2 of 4 stars). 2 submissions from 2 submitters: Uncertain significance (2). Last evaluated 2025-11-01.

Conditions:
Hypopigmentation-punctate palmoplantar keratoderma syndrome. Also called: GUTTATE HYPOPIGMENTATION AND PUNCTATE PALMOPLANTAR KERATODERMA WITH OR WITHOUT ECTOPIC CALCIFICATION; Cole disease. Identifiers: Orphanet 324561, MedGen C3809781, MONDO:0014227, OMIM 615522.
Inherited obesity. Also called: Monogenic Obesity. Identifiers: Orphanet 77828, MedGen C4054476, MONDO:0019182, OMIM 601665.
Type 2 diabetes mellitus. Also called: Type II diabetes mellitus. Identifiers: MedGen C0011860, MeSH D003924, MONDO:0005148, OMIM 125853, HP:0005978.
Arterial calcification, generalized, of infancy, 1 (GACI1). Also called: Idiopathic Infantile Arterial Calcification. Identifiers: Orphanet 51608, MedGen C4551985, MONDO:0008817, OMIM 208000.
Hypophosphatemic rickets, autosomal recessive, 2 (ARHR2). Identifiers: Orphanet 289176, MedGen C2750078, MONDO:0013219, OMIM 613312.

gnomAD v4.1: 2 of 1,607,594 alleles (0.00012%); highest among the groups gnomAD compares: African/African-American, 0.0013%; no homozygotes.

Submissions (2):

Labcorp Genetics (formerly Invitae), Labcorp
Classification: Uncertain significance. Last evaluated: 2025-11-01. Review status: criteria provided, single submitter. Criteria: Invitae Variant Classification Sherloc (09022015). Collection method: clinical testing. Allele origin: germline.
Comment: This sequence change replaces serine, which is neutral and polar, with asparagine, which is neutral and polar, at codon 197 of the ENPP1 protein (p.Ser197Asn). This variant is present in population databases (no rsID available, gnomAD 0.01%). This variant has not been reported in the literature in individuals affected with ENPP1-related conditions. ClinVar contains an entry for this variant (Variation ID: 3593061). Invitae Evidence Modeling of protein sequence and biophysical properties (such as structural, functional, and spatial information, amino acid conservation, physicochemical variation, residue mobility, and thermodynamic stability) indicates that this missense variant is not expected to disrupt ENPP1 protein function with a negative predictive value of 80%. In summary, the available evidence is currently insufficient to determine the role of this variant in disease. Therefore, it has been classified as a Variant of Uncertain Significance.

Fulgent Genetics
Classification: Uncertain significance for Type 2 diabetes mellitus; Arterial calcification, generalized, of infancy, 1; Inherited obesity; Hypophosphatemic rickets, autosomal recessive, 2; Hypopigmentation-punctate palmoplantar keratoderma syndrome. Last evaluated: 2024-05-08. Review status: criteria provided, single submitter. Criteria: ACMG Guidelines, 2015. Collection method: clinical testing. Allele origin: germline.